The following is an entry in ClinVar:

ClinVar aggregate classification (germline): Likely benign. Review status: criteria provided, multiple submitters, no conflicts (2 of 4 stars). 3 submissions from 3 submitters: Likely benign (2). 1 of the submissions does not count toward it. Last evaluated 2025-10-22.

Conditions:
THBD-related disorder. Also called: THBD-related condition.

gnomAD v4.1: 7 of 1,567,642 alleles (0.00045%); highest among the groups gnomAD compares: Non-Finnish European, 0.0006%; no homozygotes.

Submissions (3):

Labcorp Genetics (formerly Invitae), Labcorp
Classification: Likely benign. Last evaluated: 2025-10-22. Review status: criteria provided, single submitter. Criteria: Invitae Variant Classification Sherloc (09022015). Collection method: clinical testing. Allele origin: germline.

Blueprint Genetics
Classification: Likely benign. Last evaluated: 2023-05-24. Review status: criteria provided, single submitter. Criteria: ACMG Guidelines, 2015. Collection method: clinical testing. Allele origin: germline.

PreventionGenetics, part of Exact Sciences
Classification: Likely benign for THBD-related condition. Last evaluated: 2019-06-11. Review status: no assertion criteria provided. Collection method: clinical testing. Allele origin: germline. Not counted in ClinVar's aggregate classification.
Comment: This variant is classified as likely benign based on ACMG/AMP sequence variant interpretation guidelines (Richards et al. 2015 PMID: 25741868, with internal and published modifications).

NM_000361.3(THBD):c.75G>C (p.Pro25=)

Gene: THBD (thrombomodulin; minus strand). Cytogenetic location: 20p11.21.
Variant type: single nucleotide variant.
Coding change: c.75G>C on transcript NM_000361.3 (MANE Select); coding-DNA position 75, G replaced by C.
Protein change: p.Pro25=; no amino-acid change (proline 25 retained).
Molecular consequence: synonymous variant.
Genome position (GRCh38, 1-based): chr20:23,049,430, C>G on the plus strand (G>C on the coding strand, the complement: THBD is on the minus strand). VCF-style: chr20-23049430-C-G. GRCh37 (hg19) VCF-style: chr20-23030067-C-G.
Other names: c.75G>C (NM_000361.2).
Identifiers: ClinVar variation 1542266 (VCV001542266.11), dbSNP rs1029303691, ClinGen allele CA510161214.